The following is an entry in ClinVar:

ClinVar aggregate classification (germline): Uncertain significance (1 of 4 stars; one submission).

Submission:

GeneDx
Classification: Uncertain significance. Last evaluated: 2023-11-14. Review status: criteria provided, single submitter. Criteria: GeneDx Variant Classification Process June 2021. Collection method: clinical testing. Allele origin: germline. Affected: yes.
Comment: Not observed at significant frequency in large population cohorts (gnomAD); In silico analysis supports that this missense variant has a deleterious effect on protein structure/function; However, In silico analysis is inconclusive as to whether the variant alters gene splicing. In the absence of RNA/functional studies, the actual effect of this sequence change is unknown.; Has not been previously published as pathogenic or benign to our knowledge

NM_003995.4(NPR2):c.2888G>A (p.Gly963Glu)

Genes: NPR2 (natriuretic peptide receptor 2; plus strand), SPAG8 (sperm associated antigen 8; minus strand). Cytogenetic location: 9p13.3.
Variant type: single nucleotide variant.
Coding change: c.2888G>A on transcript NM_003995.4 (MANE Select); coding-DNA position 2888, G replaced by A.
Protein change: p.Gly963Glu; replaces glycine 963 with glutamic acid.
Molecular consequence: missense variant. On other transcripts: intron variant (2).
Genome position (GRCh38, 1-based): chr9:35,808,755, G>A. VCF-style: chr9-35808755-G-A. GRCh37 (hg19) VCF-style: chr9-35808752-G-A.
Other names: c.2897G>A, p.Gly966Glu (NM_001378923.1); c.1201-449C>T (NM_001366760.2); c.1373-449C>T (NM_172312.2); short protein forms G963E, G966E.
Identifiers: ClinVar variation 3364220 (VCV003364220.1).
Genomic context (GRCh38, chr9:35,808,755, plus strand): 5'-TCTCACTCCAGCCCTAGTCTCCACCTTTCCCAGACTCTCCCAACCTGTTTCTTCTCAAAG[G>A]GCCAGTCTGTGCTGGGGTTGTTGGCCTGAAGATGCCCCGTTATTGTCTTTTTGGAGACAC-3'
Protein context (NP_003986.2, residues 953-973): QLRLRIGVHT[Gly963Glu]PVCAGVVGLK